The following is an entry in ClinVar:

ClinVar aggregate classification (germline): Uncertain significance. Review status: criteria provided, multiple submitters, no conflicts (2 of 4 stars). 2 submissions from 2 submitters: Uncertain significance (2). Last evaluated 2024-12-17.

Conditions:
Inborn genetic diseases. Identifiers: MedGen C0950123, MeSH D030342.

Allele frequency attached by ClinVar (database versions not stated): gnomAD 0.00001; TOPMed below 0.00001; ExAC 0.00002.
gnomAD v4.1: 28 of 1,610,020 alleles (0.0017%); highest among the groups gnomAD compares: South Asian, 0.0055%; no homozygotes.

Submissions (2):

Ambry Genetics
Classification: Uncertain significance for Inborn genetic diseases. Last evaluated: 2024-12-17. Review status: criteria provided, single submitter. Criteria: Ambry Variant Classification Scheme 2023. Collection method: clinical testing. Allele origin: germline.

Labcorp Genetics (formerly Invitae), Labcorp
Classification: Uncertain significance. Last evaluated: 2021-12-02. Review status: criteria provided, single submitter. Criteria: Invitae Variant Classification Sherloc (09022015). Collection method: clinical testing. Allele origin: germline.
Comment: This sequence change replaces arginine, which is basic and polar, with tryptophan, which is neutral and slightly polar, at codon 1136 of the POLR3A protein (p.Arg1136Trp). This variant is present in population databases (rs766029466, gnomAD 0.006%). This variant has not been reported in the literature in individuals affected with POLR3A-related conditions. Algorithms developed to predict the effect of missense changes on protein structure and function output the following: SIFT: "Deleterious"; PolyPhen-2: "Probably Damaging"; Align-GVGD: "Class C0". The tryptophan amino acid residue is found in multiple mammalian species, which suggests that this missense change does not adversely affect protein function. In summary, the available evidence is currently insufficient to determine the role of this variant in disease. Therefore, it has been classified as a Variant of Uncertain Significance.

NM_007055.4(POLR3A):c.3406C>T (p.Arg1136Trp)

Gene: POLR3A (RNA polymerase III subunit A; minus strand). Cytogenetic location: 10q22.3.
Variant type: single nucleotide variant.
Coding change: c.3406C>T on transcript NM_007055.4 (MANE Select); coding-DNA position 3406, C replaced by T.
Protein change: p.Arg1136Trp; replaces arginine 1136 with tryptophan.
Molecular consequence: missense variant.
Genome position (GRCh38, 1-based): chr10:77,983,943, G>A on the plus strand (C>T on the coding strand, the complement: POLR3A is on the minus strand). VCF-style: chr10-77983943-G-A. GRCh37 (hg19) VCF-style: chr10-79743701-G-A.
Other names: c.3406C>T (NM_007055.3); short protein forms R1136W.
Identifiers: ClinVar variation 1345542 (VCV001345542.6), dbSNP rs766029466, ClinGen allele CA5570843.